The following is an entry in ClinVar:

NM_005120.3(MED12):c.6045-7T>G

Gene: MED12 (mediator complex subunit 12; plus strand). Cytogenetic location: Xq13.1.
Variant type: single nucleotide variant.
Coding change: c.6045-7T>G on transcript NM_005120.3 (MANE Select); 7 bases into the intron before coding-DNA position 6045, T replaced by G.
Molecular consequence: intron variant.
Genome position (GRCh38, 1-based): chrX:71,140,628, T>G. VCF-style: chrX-71140628-T-G. GRCh37 (hg19) VCF-style: chrX-70360478-T-G.
Identifiers: ClinVar variation 2840846 (VCV002840846.3), dbSNP rs2147837932, ClinGen allele CA2739273570.

ClinVar aggregate classification (germline): Uncertain significance (1 of 4 stars; one submission).

Conditions:
FG syndrome (FGS). Identifiers: MedGen C0220769, MONDO:0002010.

Submission:

Labcorp Genetics (formerly Invitae), Labcorp
Classification: Uncertain significance for FG syndrome. Last evaluated: 2024-10-16. Review status: criteria provided, single submitter. Criteria: Invitae Variant Classification Sherloc (09022015). Collection method: clinical testing. Allele origin: germline.
Comment: This sequence change falls in intron 41 of the MED12 gene. It does not directly change the encoded amino acid sequence of the MED12 protein. This variant is not present in population databases (gnomAD no frequency). This variant has not been reported in the literature in individuals affected with MED12-related conditions. Algorithms developed to predict the effect of sequence changes on RNA splicing suggest that this variant may create or strengthen a splice site. In summary, the available evidence is currently insufficient to determine the role of this variant in disease. Therefore, it has been classified as a Variant of Uncertain Significance.